The following is an entry in ClinVar:

NM_006206.6(PDGFRA):c.662T>G (p.Leu221Arg)

Gene: PDGFRA (platelet derived growth factor receptor alpha; plus strand). Cytogenetic location: 4q12.
Variant type: single nucleotide variant.
Coding change: c.662T>G on transcript NM_006206.6 (MANE Select); coding-DNA position 662, T replaced by G.
Protein change: p.Leu221Arg; replaces leucine 221 with arginine.
Molecular consequence: missense variant.
Genome position (GRCh38, 1-based): chr4:54,264,952, T>G. VCF-style: chr4-54264952-T-G. GRCh37 (hg19) VCF-style: chr4-55131119-T-G.
Other names: c.662T>G, p.Leu221Arg (NM_001347827.2, NM_001347829.2); c.737T>G, p.Leu246Arg (NM_001347828.2); c.701T>G, p.Leu234Arg (NM_001347830.2); short protein forms L221R, L234R, L246R.
Identifiers: ClinVar variation 2587718 (VCV002587718.2), dbSNP rs2110257703, ClinGen allele CA356890808.

ClinVar aggregate classification (germline): Uncertain significance (1 of 4 stars; one submission).

Conditions:
Hereditary cancer-predisposing syndrome. Also called: Tumor predisposition; Hereditary Cancer Syndrome; Hereditary neoplastic syndrome; Neoplastic Syndromes, Hereditary. Identifiers: Orphanet 140162, MedGen C0027672, MeSH D009386, MONDO:0015356.

Submission:

Ambry Genetics
Classification: Uncertain significance for Hereditary cancer-predisposing syndrome. Last evaluated: 2023-07-15. Review status: criteria provided, single submitter. Criteria: Ambry Variant Classification Scheme 2023. Collection method: clinical testing. Allele origin: germline.
Comment: The p.L221R variant (also known as c.662T>G), located in coding exon 4 of the PDGFRA gene, results from a T to G substitution at nucleotide position 662. The leucine at codon 221 is replaced by arginine, an amino acid with dissimilar properties. This amino acid position is conserved. In addition, this alteration is predicted to be tolerated by in silico analysis. Since supporting evidence is limited at this time, the clinical significance of this alteration remains unclear.